The following is an entry in ClinVar:

ClinVar aggregate classification (germline): Pathogenic. Review status: reviewed by expert panel (3 of 4 stars). 7 submissions from 7 submitters: Pathogenic (1). 6 of the submissions do not count toward it. Last evaluated 2026-08-20.

Conditions:
Leber congenital amaurosis (LCA). Also called: Leber's amaurosis. Identifiers: Orphanet 65, MedGen C0339527, MeSH D057130, MONDO:0018998.
Retinitis pigmentosa 20 (RP20). Identifiers: Orphanet 791, MedGen C3151086, MONDO:0013425, OMIM 613794.
Leber congenital amaurosis 2 (LCA2). Also called: AMAUROSIS CONGENITA OF LEBER II; Autosomal Recessive RPE65-Related Retinal Degeneration. Identifiers: Orphanet 65, MedGen C1859844, MONDO:0008765, OMIM 204100. Disease mechanism: loss of function.
RPE65-related recessive retinopathy. Also called: Recessive RPE65 retinopathy. Identifiers: MedGen CN305526, MONDO:0100368.

Submissions (7):

ClinGen Leber Congenital Amaurosis/early Onset Retinal Dystrophy Variant Curation Expert Panel, ClinGen
Classification: Pathogenic for RPE65-related recessive retinopathy. Last evaluated: 2026-08-20. Review status: reviewed by expert panel. Criteria: ClinGen LCAeoRD ACMG Specifications RPE65 V1.0.0. Collection method: curation. Allele origin: germline. Inheritance: Autosomal recessive inheritance.
Comment: NM_000329.3(RPE65):c.1101A>G (p.Arg367=) is a synonymous variant located in the third nucleotide of exon 10. This variant is absent from gnomAD v4.1.1 (PM2_Supporting). The splicing impact predictor SpliceAI gives a score of 0.99 for donor gain, which is above the ClinGen LCA / eoRD VCEP recommended threshold of ≥0.2 and predicts a damaging impact on splicing. This prediction has been confirmed by a minigene assay showing complete disruption of splicing and production of an alternative transcript with an out-of-frame truncation of 28 base pairs, which is supportive of a damaging effect on protein function (PMID: 28714225). These in silico and experimental findings have not been used to meet the PP3 and PS3_Supporting codes, but rather combined to meet the PVS1(RNA) code. At least one proband harboring this variant exhibits a phenotype including clinical diagnosis of Leber congenital amaurosis (0.5 pts), previous 100+ retinal dystrophy gene panel testing that did not provide an alternative explanation for visual impairment (2 pts), decreased central visual acuity (1 pt), onset between birth and 5 years old (1 pt), pigmentary retinopathy with attenuated vessels (0.5 pts), RPE mottling (0.5 pts) and macular atrophy (0.5 pts), which together are specific for RPE65-related recessive retinopathy (6 pts, PMID: 28714225, PMID: 32865313, PP4). This variant has been reported in at least 2 probands with early-onset severe retinal dystrophy who were compound heterozygous with either the NM_000329.3(RPE65):c.1022T>C (p.Leu341Ser) or NM_000329.3(RPE65):c.272G>A (p.Arg91Gln) variants suspected in trans (1 point, PMID: 36909829, 28714225), which were previously classified as pathogenic by the ClinGen LCA / eoRD VCEP (PM3). In summary, this variant meets the criteria to be classified as pathogenic for RPE65-related recessive retinopathy based on the ACMG/AMP criteria applied, as specified by the ClinGen LCA / eoRD VCEP: PVS1, PM2_Supporting, PM3, PP4. (VCEP specifications version 1.0.0).

Labcorp Genetics (formerly Invitae), Labcorp
Classification: Uncertain significance for Leber congenital amaurosis 2; Retinitis pigmentosa 20. Last evaluated: 2025-10-13. Review status: criteria provided, single submitter. Criteria: Invitae Variant Classification Sherloc (09022015). Collection method: clinical testing. Allele origin: germline. Not counted in ClinVar's aggregate classification.
Comment: This sequence change affects codon 367 of the RPE65 mRNA. It is a 'silent' change, meaning that it does not change the encoded amino acid sequence of the RPE65 protein. This variant is not present in population databases (gnomAD no frequency). This variant has been observed in individuals with Leber congenital amaurosis (PMID: 28714225, 36909829). ClinVar contains an entry for this variant (Variation ID: 427868). Studies have shown that this variant alters mRNA splicing and is expected to lead to the loss of protein expression (PMID: 28714225). In summary, the available evidence is currently insufficient to determine the role of this variant in disease. Therefore, it has been classified as a Variant of Uncertain Significance.

Women's Health and Genetics/Laboratory Corporation of America, LabCorp
Classification: Likely pathogenic for Leber congenital amaurosis. Last evaluated: 2025-07-31. Review status: criteria provided, single submitter. Criteria: LabCorp Variant Classification Summary - May 2015. Collection method: clinical testing. Allele origin: germline. Not counted in ClinVar's aggregate classification.
Comment: Variant summary: RPE65 c.1101A>G alters a conserved nucleotide resulting in a synonymous change. Several computational tools predict a significant impact on normal splicing: Four predict the variant creates a 5' donor site. At least one publication reports experimental evidence that this variant affects mRNA splicing (Soens_2017). The variant was absent in 251300 control chromosomes (gnomAD). c.1101A>G has been observed in individuals affected with Leber congenital amaurosis or Inherited retinal disease (Soens_2017, Sallum_2020, Peter_2023). These data indicate that the variant may be associated with disease. The following publications have been ascertained in the context of this evaluation (PMID: 36909829, 32865313, 28714225). ClinVar contains an entry for this variant (Variation ID: 427868). Based on the evidence outlined above, the variant was classified as likely pathogenic.

Ophthalmic Genetics Group, Institute of Molecular and Clinical Ophthalmology Basel
Classification: Likely pathogenic for Leber congenital amaurosis. Last evaluated: 2023-07-24. Review status: criteria provided, single submitter. Criteria: ACMG Guidelines, 2015. Collection method: research. Allele origin: germline. Affected: yes. Observed: 1 variant allele. Not counted in ClinVar's aggregate classification.
Comment: Clinical significance based on ACMG v2.0

This variant was classified as Likely pathogenic based on ACMG criteria: PP5, PM2.

3billion
Classification: Likely pathogenic for Leber congenital amaurosis 2. Last evaluated: 2022-05-22. Review status: criteria provided, single submitter. Criteria: ACMG Guidelines, 2015. Collection method: clinical testing. Allele origin: germline. Affected: yes. Observed: 1 heterozygote. Not counted in ClinVar's aggregate classification.
Comment: The variant is not observed in the gnomAD v2.1.1 dataset. In silico tools predict the variant to alter splicing and produce an abnormal transcript (SpliceAI: 0.99). The variant is in trans with the other variant (3billion dataset). The variant has been reported to be associated with RPE65 related disorder (ClinVar ID: VCV000427868). Therefore, this variant is classified as likely pathogenic according to the recommendation of ACMG/AMP guideline.

Mendelics
Classification: Pathogenic for Leber congenital amaurosis 2. Last evaluated: 2022-05-04. Review status: criteria provided, single submitter. Criteria: Mendelics Assertion Criteria 2019. Collection method: clinical testing. Allele origin: germline. Not counted in ClinVar's aggregate classification.

Rui Chen Lab, Baylor College of Medicine
Classification: Pathogenic for Leber congenital amaurosis. Last evaluated: 2017-05-09. Review status: no assertion criteria provided. Collection method: research. Allele origin: germline. Affected: yes. Not counted in ClinVar's aggregate classification.
Comment: An in vitrominigene system was used to confirm that the variant disrupts splicing

Literature cited by the submitters: PubMed 28714225 (cited by Labcorp Genetics (formerly Invitae), Labcorp and Women's Health and Genetics/Laboratory Corporation of America, LabCorp); PubMed 36909829 (cited by 3 submitters); PubMed 32865313 (cited by Women's Health and Genetics/Laboratory Corporation of America, LabCorp).

NM_000329.3(RPE65):c.1101A>G (p.Arg367=)

Gene: RPE65 (retinoid isomerohydrolase RPE65; minus strand). Cytogenetic location: 1p31.3.
Variant type: single nucleotide variant.
Coding change: c.1101A>G on transcript NM_000329.3 (MANE Select); coding-DNA position 1101, A replaced by G.
Protein change: p.Arg367=; no amino-acid change (arginine 367 retained).
Molecular consequence: synonymous variant.
Genome position (GRCh38, 1-based): chr1:68,438,214, T>C on the plus strand (A>G on the coding strand, the complement: RPE65 is on the minus strand). VCF-style: chr1-68438214-T-C. GRCh37 (hg19) VCF-style: chr1-68903897-T-C.
Other names: NP_000320.1:p.(Arg367=); NM_000329.3(RPE65):c.1101A>G; p.Arg367=.
Identifiers: ClinVar variation 427868 (VCV000427868.14), dbSNP rs1553152989, ClinGen allele CA418279061.